The following is an entry in ClinVar:

NM_001077365.2(POMT1):c.116C>A (p.Ala39Asp)

Gene: POMT1 (protein O-mannosyltransferase 1; plus strand). Cytogenetic location: 9q34.13.
Variant type: single nucleotide variant.
Coding change: c.116C>A on transcript NM_001077365.2 (MANE Select); coding-DNA position 116, C replaced by A.
Protein change: p.Ala39Asp; replaces alanine 39 with aspartic acid.
Molecular consequence: missense variant. On other transcripts: non-coding transcript variant (4), intron variant (9), 5 prime UTR variant (4).
Genome position (GRCh38, 1-based): chr9:131,504,334, C>A. VCF-style: chr9-131504334-C-A. GRCh37 (hg19) VCF-style: chr9-134379721-C-A.
Other names: c.-41+1021C>A (NM_001353194.2); c.-72+1021C>A (NM_001374691.1); c.-41+1261C>A (NM_001374689.1, NM_001353197.2, NM_001077366.2 and 1 more transcripts); c.-123+1261C>A (NM_001353199.2, NM_001136114.2); c.-81+1261C>A (NM_001353200.2); c.116C>A, p.Ala39Asp (NM_001136113.2, NM_001353193.2, NM_001353196.2 and 2 more transcripts); c.-129C>A (NM_001353195.2); c.-356C>A (NM_001353198.2); and 2 more; short protein forms A39D.
Identifiers: ClinVar variation 1399206 (VCV001399206.8), dbSNP rs2131555907, ClinGen allele CA375305367.

ClinVar aggregate classification (germline): Uncertain significance (1 of 4 stars; one submission).

Conditions:
Walker-Warburg congenital muscular dystrophy. Also called: Muscular dystrophy-dystroglycanopathy, type A; Walker-Warburg syndrome. Identifiers: Orphanet 899, MedGen C0265221, MONDO:0000171.
Autosomal recessive limb-girdle muscular dystrophy type 2K. Also called: MUSCULAR DYSTROPHY, LIMB-GIRDLE, TYPE 2K; MUSCULAR DYSTROPHY-DYSTROGLYCANOPATHY (LIMB-GIRDLE), TYPE C, 1. Identifiers: Orphanet 86812, MedGen C1836373, MONDO:0012248, OMIM 609308.
Muscular dystrophy-dystroglycanopathy (congenital with impaired intellectual development), type B, 1. Also called: MUSCULAR DYSTROPHY, CONGENITAL, POMT1-RELATED; Muscular dystrophy-dystroglycanopathy (congenital with intellectual disability), type B1. Identifiers: MedGen C5436962, MONDO:0013159, OMIM 613155.

Submission:

Labcorp Genetics (formerly Invitae), Labcorp
Classification: Uncertain significance for Muscular dystrophy-dystroglycanopathy (congenital with impaired intellectual development), type B, 1; Walker-Warburg congenital muscular dystrophy; Autosomal recessive limb-girdle muscular dystrophy type 2K. Last evaluated: 2022-08-31. Review status: criteria provided, single submitter. Criteria: Invitae Variant Classification Sherloc (09022015). Collection method: clinical testing. Allele origin: germline.
Comment: In summary, the available evidence is currently insufficient to determine the role of this variant in disease. Therefore, it has been classified as a Variant of Uncertain Significance. Algorithms developed to predict the effect of missense changes on protein structure and function are either unavailable or do not agree on the potential impact of this missense change (SIFT: "Tolerated"; PolyPhen-2: "Probably Damaging"; Align-GVGD: "Class C0"). ClinVar contains an entry for this variant (Variation ID: 1399206). This variant has not been reported in the literature in individuals affected with POMT1-related conditions. This variant is not present in population databases (gnomAD no frequency). This sequence change replaces alanine, which is neutral and non-polar, with aspartic acid, which is acidic and polar, at codon 39 of the POMT1 protein (p.Ala39Asp).